The following is an entry in ClinVar:

NM_000368.5(TSC1):c.50C>G (p.Pro17Arg)

Gene: TSC1 (TSC complex subunit 1; minus strand). Cytogenetic location: 9q34.13.
Variant type: single nucleotide variant.
Coding change: c.50C>G on transcript NM_000368.5 (MANE Select); coding-DNA position 50, C replaced by G.
Protein change: p.Pro17Arg; replaces proline 17 with arginine.
Molecular consequence: missense variant. On other transcripts: 5 prime UTR variant (1).
Genome position (GRCh38, 1-based): chr9:132,928,823, G>C on the plus strand (C>G on the coding strand, the complement: TSC1 is on the minus strand). VCF-style: chr9-132928823-G-C. GRCh37 (hg19) VCF-style: chr9-135804210-G-C.
Other names: c.50C>G, p.Pro17Arg (NM_001162426.2, NM_001162427.2); c.-210C>G (NM_001362177.2); short protein forms P17R.
Identifiers: ClinVar variation 1692411 (VCV001692411.11), dbSNP rs1189239082, ClinGen allele CA375375370.

ClinVar aggregate classification (germline): Conflicting classifications of pathogenicity. Review status: criteria provided, conflicting classifications (1 of 4 stars). 4 submissions from 4 submitters: Uncertain significance (3); Likely benign (1). Last evaluated 2025-09-07.

Conditions:
Hereditary cancer-predisposing syndrome. Also called: Tumor predisposition; Hereditary Cancer Syndrome; Neoplastic Syndromes, Hereditary; Hereditary neoplastic syndrome. Identifiers: Orphanet 140162, MedGen C0027672, MeSH D009386, MONDO:0015356.
Tuberous sclerosis 1 (TSC1). Identifiers: Orphanet 805, MedGen C1854465, MONDO:0008612, OMIM 191100.
Lymphangiomyomatosis (LAM). Also called: Lymphangioleiomyomatosis, somatic; Lymphangioleiomyomatosis. Identifiers: Orphanet 538, MedGen C0751674, MONDO:0011705, OMIM 606690.
Isolated focal cortical dysplasia type II (FCORD2). Also called: Focal cortical dysplasia type II; CORTICAL DYSPLASIA OF TAYLOR. Identifiers: Orphanet 268994, MedGen C1846385, MONDO:0011818, OMIM 607341, HP:0032051.

Allele frequency attached by ClinVar (database versions not stated): TOPMed below 0.00001; gnomAD 0.00001.
gnomAD v4.1: 3 of 1,614,048 alleles (0.00019%); highest among the groups gnomAD compares: African/African-American, 0.004%; no homozygotes.

Submissions (4):

Ambry Genetics
Classification: Uncertain significance for Hereditary cancer-predisposing syndrome. Last evaluated: 2025-09-07. Review status: criteria provided, single submitter. Criteria: Ambry Variant Classification Scheme 2023. Collection method: clinical testing. Allele origin: germline.
Comment: The p.P17R variant (also known as c.50C>G), located in coding exon 1 of the TSC1 gene, results from a C to G substitution at nucleotide position 50. The proline at codon 17 is replaced by arginine, an amino acid with dissimilar properties. This amino acid position is not well conserved in available vertebrate species. In addition, the in silico prediction for this alteration is inconclusive. Since supporting evidence is limited at this time, the clinical significance of this alteration remains unclear.

Labcorp Genetics (formerly Invitae), Labcorp
Classification: Likely benign for Tuberous sclerosis 1. Last evaluated: 2025-08-20. Review status: criteria provided, single submitter. Criteria: Invitae Variant Classification Sherloc (09022015). Collection method: clinical testing. Allele origin: germline.

Sema4
Classification: Uncertain significance for Hereditary cancer-predisposing syndrome. Last evaluated: 2021-04-23. Review status: criteria provided, single submitter. Criteria: Sema4 Curation Guidelines. Collection method: curation. Allele origin: germline.
Comment: The TSC1 c.50C>G (p.P17R) variant has not been reported in the literature to our knowledge. This variant was observed in 1/8718 chromosomes in the African/African American subpopulation according to the Genome Aggregation Database (PMID: 32461654). This variant has not been reported in ClinVar. In silico tools suggest the impact of the variant on protein function is inconclusive, though these predictions have not been confirmed by functional studies. The overall evidence is insufficient to meet ACMG/AMP criteria for classifying it as benign or pathogenic. In summary, the clinical significance of this variant is currently uncertain.

Juno Genomics, Hangzhou Juno Genomics, Inc
Classification: Uncertain significance for Isolated focal cortical dysplasia type II; Lymphangiomyomatosis; Tuberous sclerosis 1. Review status: criteria provided, single submitter. Criteria: ACMG Guidelines, 2015. Collection method: clinical testing. Allele origin: germline.
Comment: Absent from controls (or at extremely low frequency if recessive) in Genome Aggregation Database.;Missense variant in a gene that has a low rate of benign missense variation.